The following is an entry in ClinVar:

NM_000238.4(KCNH2):c.3039del (p.Arg1014fs)

Gene: KCNH2 (potassium voltage-gated channel subfamily H member 2; minus strand). Cytogenetic location: 7q36.1.
Variant type: Deletion.
Coding change: c.3039del on transcript NM_000238.4 (MANE Select); coding-DNA position 3039, one base deleted (T; older notation c.3039delT).
Protein change: p.Arg1014fs; shifts the reading frame from arginine 1014.
Molecular consequence: frameshift variant.
Genome position (GRCh38, 1-based): chr7:150,947,441, A deleted on the plus strand (T on the coding strand, the reverse complement: KCNH2 is on the minus strand). VCF-style (leftmost placement, unchanged base first): chr7-150947440-GA-G. GRCh37 (hg19) VCF-style: chr7-150644528-GA-G.
Other names: c.2019del, p.Arg674fs (NM_172057.3); short protein forms R674fs, R1014fs.
Identifiers: ClinVar variation 1422891 (VCV001422891.6), dbSNP rs2116929916, ClinGen allele CA2573141848.

ClinVar aggregate classification (germline): Pathogenic (1 of 4 stars; one submission).

Conditions:
Long QT syndrome (LQTS). Identifiers: MedGen C0023976, MeSH D008133, MONDO:0002442. Disease mechanism: loss of function. Inheritance: Various modes of inheritance.

Submission:

Labcorp Genetics (formerly Invitae), Labcorp
Classification: Pathogenic for Long QT syndrome. Last evaluated: 2022-11-01. Review status: criteria provided, single submitter. Criteria: Invitae Variant Classification Sherloc (09022015). Collection method: clinical testing. Allele origin: germline.
Comment: This sequence change creates a premature translational stop signal (p.Arg1014Aspfs*43) in the KCNH2 gene. It is expected to result in an absent or disrupted protein product. Loss-of-function variants in KCNH2 are known to be pathogenic (PMID: 10973849, 19862833). This variant is not present in population databases (gnomAD no frequency). This variant has not been reported in the literature in individuals affected with KCNH2-related conditions. ClinVar contains an entry for this variant (Variation ID: 1422891). For these reasons, this variant has been classified as Pathogenic.

Literature cited by the submitters: PubMed 10973849; PubMed 19862833.